The following is an entry in ClinVar:

ClinVar aggregate classification (germline): Uncertain significance (1 of 4 stars; one submission).

gnomAD v4.1: 1 of 1,613,790 alleles (0.000062%); highest among the groups gnomAD compares: Non-Finnish European, 0.000085%; no homozygotes.

Submission:

Labcorp Genetics (formerly Invitae), Labcorp
Classification: Uncertain significance. Last evaluated: 2022-07-25. Review status: criteria provided, single submitter. Criteria: Invitae Variant Classification Sherloc (09022015). Collection method: clinical testing. Allele origin: germline.
Comment: In summary, the available evidence is currently insufficient to determine the role of this variant in disease. Therefore, it has been classified as a Variant of Uncertain Significance. Advanced modeling of protein sequence and biophysical properties (such as structural, functional, and spatial information, amino acid conservation, physicochemical variation, residue mobility, and thermodynamic stability) performed at Invitae indicates that this missense variant is not expected to disrupt COL11A2 protein function. ClinVar contains an entry for this variant (Variation ID: 1487821). This variant has not been reported in the literature in individuals affected with COL11A2-related conditions. This variant is not present in population databases (gnomAD no frequency). This sequence change replaces proline, which is neutral and non-polar, with arginine, which is basic and polar, at codon 1182 of the COL11A2 protein (p.Pro1182Arg).

NM_080680.3(COL11A2):c.3545C>G (p.Pro1182Arg)

Gene: COL11A2 (collagen type XI alpha 2 chain; minus strand). Cytogenetic location: 6p21.32.
Variant type: single nucleotide variant.
Coding change: c.3545C>G on transcript NM_080680.3 (MANE Select); coding-DNA position 3545, C replaced by G.
Protein change: p.Pro1182Arg; replaces proline 1182 with arginine.
Molecular consequence: missense variant.
Genome position (GRCh38, 1-based): chr6:33,170,363, G>C on the plus strand (C>G on the coding strand, the complement: COL11A2 is on the minus strand). VCF-style: chr6-33170363-G-C. GRCh37 (hg19) VCF-style: chr6-33138140-G-C.
Other names: c.3224C>G, p.Pro1075Arg (NM_080679.3); c.3287C>G, p.Pro1096Arg (NM_080681.3); short protein forms P1075R, P1182R, P1096R.
Identifiers: ClinVar variation 1487821 (VCV001487821.6), dbSNP rs1411737210, ClinGen allele CA363629756.
Genomic context (GRCh38, chr6:33,170,363, plus strand): 5'-GGACAGGGGCTGAGATGACTCACATCAGCGCCATTGGGTCCAGCTGGACCTCGAGGTCCT[G>C]GGGGGCCAGGTGGTCCCTGGGGGAAACAGATACACCACAGATGAGGAAGGGAAGTGAGAT-3'
Protein context (NP_542411.2, residues 1172-1192): DVGPMGPPGP[Pro1182Arg]GPRGPAGPNG